The following is an entry in ClinVar:

ClinVar aggregate classification (germline): Conflicting classifications of pathogenicity. Review status: criteria provided, conflicting classifications (1 of 4 stars). 6 submissions from 6 submitters: Uncertain significance (5); Likely benign (1). Last evaluated 2026-07-07.

Conditions:
Familial thoracic aortic aneurysm and aortic dissection (TAAD). Also called: Thoracic aortic aneurysms and dissections. Identifiers: Orphanet 91387, MedGen C4707243, MONDO:0019625.
Ehlers-Danlos syndrome, type 4 (EDSVASC). Also called: Ehlers-Danlos syndrome vascular type; Ehlers Danlos syndrome, ecchymotic type; Ehlers Danlos syndrome, arterial type; Ehlers Danlos syndrome, Sack-Barabas type; Ehlers-Danlos Syndrome Type IV. Identifiers: Orphanet 286, MedGen C0268338, MONDO:0017314, OMIM 130050.

Allele frequency attached by ClinVar (database versions not stated): gnomAD exomes 0.00001; ExAC 0.00001.

Submissions (6):

Ambry Genetics
Classification: Uncertain significance for Familial thoracic aortic aneurysm and aortic dissection. Last evaluated: 2026-07-07. Review status: criteria provided, single submitter. Criteria: Ambry Variant Classification Scheme 2023. Collection method: clinical testing. Allele origin: germline.
Comment: The p.A94S variant (also known as c.280G>T), located in coding exon 2 of the COL3A1 gene, results from a G to T substitution at nucleotide position 280. The alanine at codon 94 is replaced by serine, an amino acid with similar properties. This amino acid position is conserved. In addition, this alteration is predicted to be tolerated by in silico analysis. Based on the available evidence, the clinical significance of this variant remains unclear.

Color Diagnostics, LLC DBA Color Health
Classification: Likely benign for Familial thoracic aortic aneurysm and aortic dissection. Last evaluated: 2025-11-10. Review status: criteria provided, single submitter. Criteria: ACMG Guidelines, 2015. Collection method: clinical testing. Allele origin: germline.

GeneDx
Classification: Uncertain significance. Last evaluated: 2025-07-09. Review status: criteria provided, single submitter. Criteria: GeneDx Variant Classification Process June 2021. Collection method: clinical testing. Allele origin: germline. Affected: yes.
Comment: Not observed at significant frequency in large population cohorts (gnomAD); In silico analysis suggests that this missense variant does not alter protein structure/function; Has not been previously published as pathogenic or benign to our knowledge

All of Us Research Program, National Institutes of Health
Classification: Uncertain significance for Ehlers-Danlos syndrome, type 4. Last evaluated: 2024-09-26. Review status: criteria provided, single submitter. Criteria: ACMG Guidelines, 2015. Collection method: clinical testing. Allele origin: germline. Inheritance: Autosomal dominant inheritance. Observed: 2 variant alleles, 2 heterozygotes.
Comment: Variant of Uncertain Significance due to insufficient evidence: This variant is located in the N-terminal propeptide sequence of the COL3A1 protein. Computational prediction tools and conservation analyses suggest that this variant may not impact the protein function. Computational splicing tools suggest that this variant may not impact RNA splicing. To our knowledge, functional assays have not been performed for this variant nor has this variant been reported in individuals affected with cardiovascular disorders in the literature. This variant has been identified in 2/244760 chromosomes in the general population by the Genome Aggregation Database (gnomAD). Available evidence is insufficient to determine the role of this variant in disease conclusively.

This study involves interpretation of variants in research participants for the purpose of population health screening. Participant phenotype was not available at the time of variant classification. Additional details can be found in publication PMID: 35346344, PMCID: PMC8962531

Labcorp Genetics (formerly Invitae), Labcorp
Classification: Uncertain significance for Ehlers-Danlos syndrome, type 4. Last evaluated: 2022-09-07. Review status: criteria provided, single submitter. Criteria: Invitae Variant Classification Sherloc (09022015). Collection method: clinical testing. Allele origin: germline.
Comment: ClinVar contains an entry for this variant (Variation ID: 928328). This variant has not been reported in the literature in individuals affected with COL3A1-related conditions. This variant is present in population databases (rs761447734, gnomAD 0.003%). This sequence change replaces alanine, which is neutral and non-polar, with serine, which is neutral and polar, at codon 94 of the COL3A1 protein (p.Ala94Ser). Algorithms developed to predict the effect of missense changes on protein structure and function output the following: SIFT: "Tolerated"; PolyPhen-2: "Not Available"; Align-GVGD: "Class C0". The serine amino acid residue is found in multiple mammalian species, which suggests that this missense change does not adversely affect protein function. In summary, the available evidence is currently insufficient to determine the role of this variant in disease. Therefore, it has been classified as a Variant of Uncertain Significance.

Department of Pathology and Laboratory Medicine, Sinai Health System
Classification: Uncertain significance for Ehlers-Danlos syndrome, vascular type. Last evaluated: 2021-10-26. Review status: criteria provided, single submitter. Criteria: ACMG Guidelines, 2015. Collection method: research. Allele origin: germline.

NM_000090.4(COL3A1):c.280G>T (p.Ala94Ser)

Gene: COL3A1 (collagen type III alpha 1 chain; plus strand). Cytogenetic location: 2q32.2.
Variant type: single nucleotide variant.
Coding change: c.280G>T on transcript NM_000090.4 (MANE Select); coding-DNA position 280, G replaced by T.
Protein change: p.Ala94Ser; replaces alanine 94 with serine.
Molecular consequence: missense variant.
Genome position (GRCh38, 1-based): chr2:188,984,960, G>T. VCF-style: chr2-188984960-G-T. GRCh37 (hg19) VCF-style: chr2-189849686-G-T.
Other names: short protein forms A94S.
Identifiers: ClinVar variation 928328 (VCV000928328.17), dbSNP rs761447734, ClinGen allele CA075602.